The following is an entry in ClinVar:

NM_000419.5(ITGA2B):c.413G>T (p.Cys138Phe)

Genes: ITGA2B (integrin subunit alpha 2b; minus strand), LOC130060983 (ATAC-STARR-seq lymphoblastoid active region 12261; plus strand). Cytogenetic location: 17q21.31.
Variant type: single nucleotide variant.
Coding change: c.413G>T on transcript NM_000419.5 (MANE Select); coding-DNA position 413, G replaced by T.
Protein change: p.Cys138Phe; replaces cysteine 138 with phenylalanine.
Molecular consequence: missense variant.
Genome position (GRCh38, 1-based): chr17:44,385,712, C>A on the plus strand (G>T on the coding strand, the complement: ITGA2B is on the minus strand). VCF-style: chr17-44385712-C-A. GRCh37 (hg19) VCF-style: chr17-42463080-C-A.
Other names: short protein forms C138F.
Identifiers: ClinVar variation 3718457 (VCV003718457.3).

ClinVar aggregate classification (germline): Uncertain significance. Review status: criteria provided, multiple submitters, no conflicts (2 of 4 stars). 2 submissions from 2 submitters: Uncertain significance (2). Last evaluated 2025-04-01.

Conditions:
Inborn genetic diseases. Identifiers: MedGen C0950123, MeSH D030342.
Glanzmann thrombasthenia. Also called: BLEEDING DISORDER, PLATELET-TYPE, 2; THROMBASTHENIA OF GLANZMANN AND NAEGELI; PLATELET GLYCOPROTEIN IIb-IIIa DEFICIENCY; Thrombasthenia; Glanzmann's thrombasthenia. Identifiers: Orphanet 849, MedGen C0040015, MONDO:0100326.

gnomAD v4.1: 2 of 1,613,638 alleles (0.00012%); highest among the groups gnomAD compares: African/African-American, 0.0013%; no homozygotes.

Submissions (2):

Ambry Genetics
Classification: Uncertain significance for Inborn genetic diseases. Last evaluated: 2025-04-01. Review status: criteria provided, single submitter. Criteria: Ambry Variant Classification Scheme 2023. Collection method: clinical testing. Allele origin: germline.

Labcorp Genetics (formerly Invitae), Labcorp
Classification: Uncertain significance for Glanzmann thrombasthenia. Last evaluated: 2024-03-28. Review status: criteria provided, single submitter. Criteria: Invitae Variant Classification Sherloc (09022015). Collection method: clinical testing. Allele origin: germline.
Comment: This sequence change replaces cysteine, which is neutral and slightly polar, with phenylalanine, which is neutral and non-polar, at codon 138 of the ITGA2B protein (p.Cys138Phe). This variant is not present in population databases (gnomAD no frequency). This variant has not been reported in the literature in individuals affected with ITGA2B-related conditions. Advanced modeling of protein sequence and biophysical properties (such as structural, functional, and spatial information, amino acid conservation, physicochemical variation, residue mobility, and thermodynamic stability) performed at Invitae indicates that this missense variant is expected to disrupt ITGA2B protein function with a positive predictive value of 80%. In summary, the available evidence is currently insufficient to determine the role of this variant in disease. Therefore, it has been classified as a Variant of Uncertain Significance.